The following is an entry in ClinVar:

ClinVar aggregate classification (germline): Uncertain significance (1 of 4 stars; one submission).

Conditions:
CDKN1B-related disorder. Also called: CDKN1B-related condition.

Submission:

PreventionGenetics, part of Exact Sciences
Classification: Uncertain significance for CDKN1B-related condition. Last evaluated: 2023-03-21. Review status: criteria provided, single submitter. Criteria: ACMG Guidelines, 2015. Collection method: clinical testing. Allele origin: germline.
Comment: The CDKN1B c.156G>C variant is predicted to result in the amino acid substitution p.Met52Ile. To our knowledge, this variant has not been reported in the literature or in a large population database, indicating this variant is rare. At this time, the clinical significance of this variant is uncertain due to the absence of conclusive functional and genetic evidence.

NM_004064.5(CDKN1B):c.156G>C (p.Met52Ile)

Gene: CDKN1B (cyclin dependent kinase inhibitor 1B; plus strand). Cytogenetic location: 12p13.1.
Variant type: single nucleotide variant.
Coding change: c.156G>C on transcript NM_004064.5 (MANE Select); coding-DNA position 156, G replaced by C.
Protein change: p.Met52Ile; replaces methionine 52 with isoleucine.
Molecular consequence: missense variant.
Genome position (GRCh38, 1-based): chr12:12,717,995, G>C. VCF-style: chr12-12717995-G-C. GRCh37 (hg19) VCF-style: chr12-12870929-G-C.
Other names: short protein forms M52I.
Identifiers: ClinVar variation 2633784 (VCV002633784.1), dbSNP rs2497404331, ClinGen allele CA383969034.